The following is an entry in ClinVar:

NM_001123385.2(BCOR):c.2488_2489del (p.Ser830fs)

Gene: BCOR (BCL6 corepressor; minus strand). Cytogenetic location: Xp11.4.
Variant type: Microsatellite.
Coding change: c.2488_2489del on transcript NM_001123385.2 (MANE Select); coding-DNA positions 2488 to 2489, 2 bases deleted (AG; older notation c.2488_2489delAG).
Protein change: p.Ser830fs; shifts the reading frame from serine 830.
Molecular consequence: frameshift variant.
Genome position (GRCh38, 1-based): chrX:40,072,857-40,072,858, CT deleted on the plus strand (AG on the coding strand, the reverse complement: BCOR is on the minus strand); deleting any 2 consecutive bases within chrX:40,072,857-40,072,862 gives the same sequence; the c. name uses the placement nearest the transcript's 3' end. VCF-style (leftmost placement, unchanged base first): chrX-40072856-ACT-A. GRCh37 (hg19) VCF-style: chrX-39932109-ACT-A.
Other names: c.2484_2485AG[2], p.Ser830Cysfs (NM_001123383.2); c.2488_2489del, p.Ser830fs (NM_001123384.2, NM_017745.6); c.2488_2489delAG (NM_017745.5); short protein forms S830fs.
Identifiers: ClinVar variation 448990 (VCV000448990.4), dbSNP rs1555918014, ClinGen allele CA645602830.
Genomic context (GRCh38, chrX:40,072,856, plus strand): 5'-ACGGTGCTGCTGCAGGGCCGGCTCAACTGAGGGCTTGGGGGGCTCAGCGCTCTGGCCAAC[ACT>A]CTCTGCTGCAAAGCTGGGTTTGGACACGTTTGTGTCAGTTTTAGCATCTGGTTCTTCTCG-3'

ClinVar aggregate classification (germline): Pathogenic. Review status: criteria provided, single submitter (1 of 4 stars). 2 submissions from 2 submitters: Pathogenic (1). 1 of the submissions does not count toward it. Last evaluated 2022-01-20.

Conditions:
Oculofaciocardiodental syndrome (MCOPS2). Identifiers: Orphanet 2712, MedGen C1846265, MONDO:0010261, OMIM 300166.

Submissions (2):

GeneDx
Classification: Pathogenic. Last evaluated: 2022-01-20. Review status: criteria provided, single submitter. Criteria: GeneDx Variant Classification Process June 2021. Collection method: clinical testing. Allele origin: germline. Affected: yes.
Comment: Not observed at significant frequency in large population cohorts (gnomAD); Frameshift variant predicted to result in protein truncation or nonsense mediated decay in a gene for which loss-of-function is a known mechanism of disease; This variant is associated with the following publications: (PMID: 23557072, 15770227, 30293987)

OMIM
Classification: Pathogenic for MICROPHTHALMIA, SYNDROMIC 2. Last evaluated: 2005-05-01. Review status: no assertion criteria provided. Collection method: literature only. Allele origin: germline. Not counted in ClinVar's aggregate classification.

Literature cited by the submitters: PubMed 15770227 (cited by OMIM).